The following is an entry in ClinVar:

NM_025137.4(SPG11):c.5413C>T (p.Arg1805Cys)

Gene: SPG11 (SPG11 vesicle trafficking associated, spatacsin; minus strand). Cytogenetic location: 15q21.1.
Variant type: single nucleotide variant.
Coding change: c.5413C>T on transcript NM_025137.4 (MANE Select); coding-DNA position 5413, C replaced by T.
Protein change: p.Arg1805Cys; replaces arginine 1805 with cysteine.
Molecular consequence: missense variant.
Genome position (GRCh38, 1-based): chr15:44,584,267, G>A on the plus strand (C>T on the coding strand, the complement: SPG11 is on the minus strand). VCF-style: chr15-44584267-G-A. GRCh37 (hg19) VCF-style: chr15-44876465-G-A.
Other names: c.5413C>T, p.Arg1805Cys (NM_001160227.2); c.5269C>T, p.Arg1757Cys (NM_001411132.1); short protein forms R1805C, R1757C.
Identifiers: ClinVar variation 1747387 (VCV001747387.6), dbSNP rs1459039865, ClinGen allele CA392222597.

ClinVar aggregate classification (germline): Uncertain significance. Review status: criteria provided, multiple submitters, no conflicts (2 of 4 stars). 2 submissions from 2 submitters: Uncertain significance (2). Last evaluated 2024-02-24.

Conditions:
Inborn genetic diseases. Identifiers: MedGen C0950123, MeSH D030342.
Hereditary spastic paraplegia 11. Also called: Nakamura Osame syndrome; Autosomal recessive hereditary spastic paraplegia, mental impairment, and thin corpus callosum; SPASTIC PARAPLEGIA, AUTOSOMAL RECESSIVE, COMPLICATED, WITH THIN CORPUS CALLOSUM; SPASTIC PARAPLEGIA, AUTOSOMAL RECESSIVE, WITH MENTAL IMPAIRMENT AND THIN CORPUS CALLOSUM; Spastic Paraplegia 11; Spastic paraplegia, mental retardation and thin corpus callosum. Identifiers: Orphanet 2822, MedGen C1858479, MONDO:0011445, OMIM 604360.

Allele frequency attached by ClinVar (database versions not stated): TOPMed 0.00001; gnomAD 0.00002.
gnomAD v4.1: 10 of 1,613,750 alleles (0.00062%); highest among the groups gnomAD compares: African/African-American, 0.004%; no homozygotes.

Submissions (2):

Labcorp Genetics (formerly Invitae), Labcorp
Classification: Uncertain significance for Hereditary spastic paraplegia 11. Last evaluated: 2024-02-24. Review status: criteria provided, single submitter. Criteria: Invitae Variant Classification Sherloc (09022015). Collection method: clinical testing. Allele origin: germline.
Comment: This sequence change replaces arginine, which is basic and polar, with cysteine, which is neutral and slightly polar, at codon 1805 of the SPG11 protein (p.Arg1805Cys). The frequency data for this variant in the population databases is considered unreliable, as metrics indicate poor data quality at this position in the gnomAD database. This variant has not been reported in the literature in individuals affected with SPG11-related conditions. ClinVar contains an entry for this variant (Variation ID: 1747387). Advanced modeling of protein sequence and biophysical properties (such as structural, functional, and spatial information, amino acid conservation, physicochemical variation, residue mobility, and thermodynamic stability) performed at Invitae indicates that this missense variant is not expected to disrupt SPG11 protein function with a negative predictive value of 80%. In summary, the available evidence is currently insufficient to determine the role of this variant in disease. Therefore, it has been classified as a Variant of Uncertain Significance.

Ambry Genetics
Classification: Uncertain significance for Inborn genetic diseases. Last evaluated: 2021-10-12. Review status: criteria provided, single submitter. Criteria: Ambry Variant Classification Scheme 2023. Collection method: clinical testing. Allele origin: germline.
Comment: The p.R1805C variant (also known as c.5413C>T), located in coding exon 30 of the SPG11 gene, results from a C to T substitution at nucleotide position 5413. The arginine at codon 1805 is replaced by cysteine, an amino acid with highly dissimilar properties. This amino acid position is conserved. In addition, the in silico prediction for this alteration is inconclusive. Since supporting evidence is limited at this time, the clinical significance of this alteration remains unclear.